The following is an entry in ClinVar:

NM_000202.8(IDS):c.1463T>G (p.Met488Arg)

Gene: IDS (iduronate 2-sulfatase; minus strand). Cytogenetic location: Xq28.
Variant type: single nucleotide variant.
Coding change: c.1463T>G on transcript NM_000202.8 (MANE Select); coding-DNA position 1463, T replaced by G.
Protein change: p.Met488Arg; replaces methionine 488 with arginine.
Molecular consequence: missense variant.
Genome position (GRCh38, 1-based): chrX:149,482,936, A>C on the plus strand (T>G on the coding strand, the complement: IDS is on the minus strand). VCF-style: chrX-149482936-A-C. GRCh37 (hg19) VCF-style: chrX-148564467-A-C.
Other names: c.1193T>G, p.Met398Arg (NM_001166550.4); short protein forms M398R, M488R.
Identifiers: ClinVar variation 3256068 (VCV003256068.2).
Genomic context (GRCh38, chrX:149,482,936, plus strand): 5'-TCAGGATTGAAGCCAACCCACACAGTATACCTATAGTCTATGGTGCGTATGGAATAGCCC[A>C]TGATCTTTATATCTTTTAAACTCGGCTTGTCAGAATTCCACTGAGGGATGTCTGAAGGCC-3'
Protein context (NP_000193.1, residues 478-498): DKPSLKDIKI[Met488Arg]GYSIRTIDYR

ClinVar aggregate classification (germline): Likely pathogenic (1 of 4 stars; one submission).

Conditions:
Mucopolysaccharidosis, MPS-II (MPS2). Also called: Hunter Syndrome; IDURONATE 2-SULFATASE DEFICIENCY; Mucopolysaccharidosis Type II; Mucopolysaccharidosis type 2; Attenuated MPS (subtype; formerly known as mild MPS II); Severe MPS II. Identifiers: Orphanet 580, Orphanet 79388, MedGen C0026705, MONDO:0010674, OMIM 309900.

Submission:

Laboratory of Diagnosis and Therapy of Lysosomal Disorders, University of Padova
Classification: Likely pathogenic for Mucopolysaccharidosis, MPS-II. Last evaluated: 2024-06-07. Review status: criteria provided, single submitter. Criteria: ACMG Guidelines, 2015. Collection method: literature only. Allele origin: germline. Affected: yes. Observed: 1 variant allele.
Comment: Absent from controls (or at low frequency) in gnomAD database (PM2_Moderate), Missense variant in a gene with a low rate of benign missense variation (PP2_Supporting), Multiple lines of computational evidence support a deleterious effect (PP3_Supporting), Patient’s phenotype or family history highly specific for the disease (PP4_Strong)

Classification method: ACMG Guidelines [PMID:25741868] with modifications

Literature cited by the submitters: PubMed 22976768.